The following is an entry in ClinVar:

NM_001170629.2(CHD8):c.6931C>G (p.Leu2311Val)

Genes: CHD8 (chromodomain helicase DNA binding protein 8; minus strand), LOC126861888 (CDK7 strongly-dependent group 2 enhancer GRCh37_chr14:21859227-21860426; plus strand). Cytogenetic location: 14q11.2.
Variant type: single nucleotide variant.
Coding change: c.6931C>G on transcript NM_001170629.2 (MANE Select); coding-DNA position 6931, C replaced by G.
Protein change: p.Leu2311Val; replaces leucine 2311 with valine.
Molecular consequence: missense variant.
Genome position (GRCh38, 1-based): chr14:21,391,597, G>C on the plus strand (C>G on the coding strand, the complement: CHD8 is on the minus strand). VCF-style: chr14-21391597-G-C. GRCh37 (hg19) VCF-style: chr14-21859756-G-C.
Other names: c.6094C>G, p.Leu2032Val (NM_020920.4); short protein forms L2032V, L2311V.
Identifiers: ClinVar variation 2793090 (VCV002793090.3), dbSNP rs754642917, ClinGen allele CA388877267.
Genomic context (GRCh38, chr14:21,391,597, plus strand): 5'-CATCCTCACCCACCAGCAAAGTACCATCCACCTTATTGATGACAGGGATCCGGGTCTCCA[G>C]GTCCACATCAAGGTGATTAGGCTCTTCCATGCACTCCACCTCCAGCTGCAAACCCAGAAT-3'
Protein context (NP_001164100.1, residues 2301-2321): MEEPNHLDVD[Leu2311Val]ETRIPVINKV

ClinVar aggregate classification (germline): Uncertain significance (1 of 4 stars; one submission).

Submission:

Labcorp Genetics (formerly Invitae), Labcorp
Classification: Uncertain significance. Last evaluated: 2023-02-14. Review status: criteria provided, single submitter. Criteria: Invitae Variant Classification Sherloc (09022015). Collection method: clinical testing. Allele origin: germline.
Comment: This sequence change replaces leucine, which is neutral and non-polar, with valine, which is neutral and non-polar, at codon 2311 of the CHD8 protein (p.Leu2311Val). This variant is not present in population databases (gnomAD no frequency). This variant has not been reported in the literature in individuals affected with CHD8-related conditions. Advanced modeling of protein sequence and biophysical properties (such as structural, functional, and spatial information, amino acid conservation, physicochemical variation, residue mobility, and thermodynamic stability) performed at Invitae indicates that this missense variant is not expected to disrupt CHD8 protein function. In summary, the available evidence is currently insufficient to determine the role of this variant in disease. Therefore, it has been classified as a Variant of Uncertain Significance.